The following is an entry in ClinVar:

ClinVar aggregate classification (germline): Pathogenic (1 of 4 stars; one submission).

Conditions:
Hereditary cancer-predisposing syndrome. Also called: Neoplastic Syndromes, Hereditary; Tumor predisposition; Hereditary Cancer Syndrome; Hereditary neoplastic syndrome. Identifiers: Orphanet 140162, MedGen C0027672, MeSH D009386, MONDO:0015356.

Submission:

Ambry Genetics
Classification: Pathogenic for Hereditary cancer-predisposing syndrome. Last evaluated: 2018-11-06. Review status: criteria provided, single submitter. Criteria: Ambry Variant Classification Scheme 2023. Collection method: clinical testing. Allele origin: germline.
Comment: The c.1689_1690ins46 variant, located in coding exon 9 of the BRCA1 gene, results from an insertion of 46 nucleotides at position 1689, causing a translational frameshift with a predicted alternate stop codon (p.N564Yfs*2). This alteration is expected to result in loss of function by premature protein truncation or nonsense-mediated mRNA decay. As such, this alteration is interpreted as a disease-causing mutation.

NM_007294.4(BRCA1):c.1644_1689dup (p.Asn564delinsTyrTer)

Gene: BRCA1 (BRCA1 DNA repair associated; minus strand). Cytogenetic location: 17q21.31.
Variant type: Duplication.
Coding change: c.1644_1689dup on transcript NM_007294.4 (MANE Select); coding-DNA positions 1644 to 1689, 46 bases duplicated.
Protein change: p.Asn564delinsTyrTer.
Molecular consequence: nonsense. On other transcripts: frameshift variant (1), intron variant (137).
Genome position (GRCh38, 1-based): chr17:43,093,842-43,093,887, 46 bases duplicated. GRCh37 (hg19): chr17:41,245,859-41,245,904.
Other names: c.1689_1690insTACTAATAGTGGTCATGAGAATAAAACAAAAGGTGATTCTATTCAG (NM_007294.3); c.787+857_787+902dup (NM_007299.4, NM_001407974.1, NM_001407969.1 and 19 more transcripts); c.577+857_577+902dup (NM_001408492.1, NM_001408513.1, NM_001408489.1 and 9 more transcripts); c.643+857_643+902dup (NM_001408468.1, NM_001408465.1, NM_001408463.1 and 3 more transcripts); c.523+857_523+902dup (NM_001408501.1, NM_001408500.1, NM_001408497.1 and 3 more transcripts); c.646+857_646+902dup (NM_001408455.1, NM_001408466.1, NM_001408452.1 and 11 more transcripts); c.520+857_520+902dup (NM_001408503.1, NM_001408505.1, NM_001408504.1); c.404-2855_404-2810dup (NM_001408511.1); and 41 more.
Identifiers: ClinVar variation 1778064 (VCV001778064.2), dbSNP rs2552200187, ClinGen allele CA2580094142.